The following is an entry in ClinVar:

ClinVar aggregate classification (germline): Likely pathogenic (1 of 4 stars; one submission).

Conditions:
Microcephaly 1, primary, autosomal recessive (MCPH1). Also called: PREMATURE CHROMOSOME CONDENSATION SYNDROME; PCC SYNDROME; PREMATURE CHROMOSOME CONDENSATION WITH MICROCEPHALY AND MENTAL RETARDATION. Identifiers: Orphanet 2512, MedGen C1855081, MONDO:0009617, OMIM 251200.

Submission:

Juno Genomics, Hangzhou Juno Genomics, Inc
Classification: Likely pathogenic for Microcephaly 1, primary, autosomal recessive. Review status: criteria provided, single submitter. Criteria: ACMG Guidelines, 2015. Collection method: clinical testing. Allele origin: germline.
Comment: Null variant in a gene where loss of function (LOF) is a known mechanism of disease.;Absent from controls (or at extremely low frequency if recessive) in Genome Aggregation Database.

NM_024596.5(MCPH1):c.985_989del (p.Lys329fs)

Gene: MCPH1 (microcephalin 1; plus strand). Cytogenetic location: 8p23.1.
Variant type: Deletion.
Coding change: c.985_989del on transcript NM_024596.5 (MANE Select); coding-DNA positions 985 to 989, 5 bases deleted (AAGTA; older notation c.985_989delAAGTA).
Protein change: p.Lys329fs; shifts the reading frame from lysine 329.
Molecular consequence: frameshift variant. On other transcripts: non-coding transcript variant (1).
Genome position (GRCh38, 1-based): chr8:6,444,707-6,444,711, AAGTA deleted. VCF-style (leftmost placement, unchanged base first): chr8-6444706-GAAGTA-G. GRCh37 (hg19) VCF-style: chr8-6302227-GAAGTA-G.
Other names: c.985_989del, p.Lys329fs (NM_001172574.2, NM_001322042.2, NM_001363979.1 and 3 more transcripts); c.841_845del, p.Lys281fs (NM_001172575.2); c.979_983del, p.Lys327fs (NM_001322043.2); c.883_887del, p.Lys295fs (NM_001322045.2); short protein forms K295fs, K327fs, K329fs, K281fs.
Identifiers: ClinVar variation 5007326 (VCV005007326.2).